The following is an entry in ClinVar:

ClinVar aggregate classification (germline): Benign. Review status: criteria provided, multiple submitters, no conflicts (2 of 4 stars). 2 submissions from 2 submitters: Benign (2). Last evaluated 2018-06-19.

Allele frequency attached by ClinVar (database versions not stated): gnomAD exomes 0.19915; 1000 Genomes Project 0.23962; 1000 Genomes Project 30x 0.24656; TOPMed 0.32503; gnomAD 0.33195 and 0.34176.

Submissions (2):

GeneDx
Classification: Benign. Last evaluated: 2018-06-19. Review status: criteria provided, single submitter. Criteria: GeneDx Variant Classification (06012015). Collection method: clinical testing. Allele origin: germline. Affected: yes.
Comment: This variant is considered likely benign or benign based on one or more of the following criteria: it is a conservative change, it occurs at a poorly conserved position in the protein, it is predicted to be benign by multiple in silico algorithms, and/or has population frequency not consistent with disease.

Breakthrough Genomics
Classification: Benign. Review status: criteria provided, single submitter. Criteria: ACMG Guidelines, 2015. Collection method: not provided. Allele origin: germline. Inheritance: Autosomal recessive inheritance. Affected: yes.

NM_001875.5(CPS1):c.4102-476G>A

Gene: CPS1 (carbamoyl-phosphate synthase 1; plus strand). Cytogenetic location: 2q34.
Variant type: single nucleotide variant.
Coding change: c.4102-476G>A on transcript NM_001875.5 (MANE Select); 476 bases into the intron before coding-DNA position 4102, G replaced by A.
Molecular consequence: intron variant.
Genome position (GRCh38, 1-based): chr2:210,674,426, G>A. VCF-style: chr2-210674426-G-A. GRCh37 (hg19) VCF-style: chr2-211539150-G-A.
Other names: c.4102-476G>A (NM_001369257.1, NM_001122633.3); c.4135-476G>A (NM_001369256.1).
Identifiers: ClinVar variation 683617 (VCV000683617.2), dbSNP rs11902281, ClinGen allele CA11136626.
Genomic context (GRCh38, chr2:210,674,426, plus strand): 5'-GGGAGGCTGAGGCAGGAGAATCGCTTGAACCCAGAAGGCATTGCAGTGAGCCAAGATCGT[G>A]CCATTGCACTCCAGCCTGGGCAACAAGAGCAAAAAACCCCATCTCAAAAAAAAAAACCAA-3'